The following is an entry in ClinVar:

NM_006005.3(WFS1):c.1479C>T (p.Val493=)

Gene: WFS1 (wolframin ER transmembrane glycoprotein; plus strand). Cytogenetic location: 4p16.1.
Variant type: single nucleotide variant.
Coding change: c.1479C>T on transcript NM_006005.3 (MANE Select); coding-DNA position 1479, C replaced by T.
Protein change: p.Val493=; no amino-acid change (valine 493 retained).
Molecular consequence: synonymous variant.
Genome position (GRCh38, 1-based): chr4:6,301,274, C>T. VCF-style: chr4-6301274-C-T. GRCh37 (hg19) VCF-style: chr4-6303001-C-T.
Other names: c.1479C>T, p.Val493= (NM_001145853.1).
Identifiers: ClinVar variation 228235 (VCV000228235.18), dbSNP rs750126396, ClinGen allele CA2839368.
Genomic context (GRCh38, chr4:6,301,274, plus strand): 5'-CATGCCCTTGAATTGGCCCTACCTGAAGGTCCTTGGCCAGACCTTCATCACCGTGCCTGT[C>T]GGCCACCTGGTCGTCCTCAACGTCAGCGTCCCGTGCCTGCTCTATGTCTACCTGCTCTAT-3'
Protein context (NP_005996.2, residues 483-503): VLGQTFITVP[Val493=]GHLVVLNVSV

ClinVar aggregate classification (germline): Benign/Likely benign. Review status: criteria provided, multiple submitters, no conflicts (2 of 4 stars). 6 submissions from 6 submitters: Benign (1); Likely benign (5). Last evaluated 2025-11-27.

Conditions:
Wolfram syndrome 1 (WFS1). Identifiers: Orphanet 3463, MedGen C4551693, MONDO:0009101, OMIM 222300.

Allele frequency attached by ClinVar (database versions not stated): gnomAD exomes 0.00002 and 0.00003; TOPMed 0.00003; ExAC 0.00005; gnomAD 0.00006.
gnomAD v4.1: 45 of 1,611,324 alleles (0.0028%); highest among the groups gnomAD compares: Middle Eastern, 0.016%; no homozygotes.

Submissions (6):

Labcorp Genetics (formerly Invitae), Labcorp
Classification: Likely benign. Last evaluated: 2025-11-27. Review status: criteria provided, single submitter. Criteria: Invitae Variant Classification Sherloc (09022015). Collection method: clinical testing. Allele origin: germline.

Blueprint Genetics
Classification: Likely benign. Last evaluated: 2024-07-08. Review status: criteria provided, single submitter. Criteria: ACMG Guidelines, 2015. Collection method: clinical testing. Allele origin: germline.

ARUP Laboratories, Molecular Genetics and Genomics, ARUP Laboratories
Classification: Likely benign. Last evaluated: 2023-11-01. Review status: criteria provided, single submitter. Criteria: ARUP Molecular Germline Variant Investigation Process 2024. Collection method: clinical testing. Allele origin: germline.

GeneDx
Classification: Likely benign. Last evaluated: 2021-05-05. Review status: criteria provided, single submitter. Criteria: GeneDx Variant Classification Process June 2021. Collection method: clinical testing. Allele origin: germline. Affected: yes.

Laboratory for Molecular Medicine, Mass General Brigham Personalized Medicine
Classification: Likely benign. Last evaluated: 2015-06-18. Review status: criteria provided, single submitter. Criteria: LMM Criteria. Collection method: clinical testing. Allele origin: germline. Observed: 1 variant allele.
Comment: p.Val493Val in exon 8 of WFS1: This variant is not expected to have clinical sig nificance because it does not alter an amino acid residue and is not located wit hin the splice consensus sequence. It has been identified in 2/11570 of Latino c hromosomes by the Exome Aggregation Consortium (ExAC .org).

Clinical Genomics, Uppaluri K&H Personalized Medicine Clinic
Classification: Benign for Wolfram syndrome 1. Review status: criteria provided, single submitter. Criteria: K & H Uppaluri Personalized Medicine Clinic Variant Classification & Assertion Criteria_Updated V.1. Collection method: research. Allele origin: unknown. Inheritance: Autosomal recessive inheritance.
Comment: Potent mutations in WFS1 gene are associated with Wolfram's syndrome, an autosomal recessive condition, which cause diabetes mellitus, diabetes insipidus, deafness and optic atrophy. However no sufficient evidence is found to ascertain the role of this particular variant rs750126396 in Wolfram's syndrome yet.

Literature cited by the submitters: PubMed 20738327 (cited by Clinical Genomics, Uppaluri K&H Personalized Medicine Clinic); PubMed 33879153 (cited by Clinical Genomics, Uppaluri K&H Personalized Medicine Clinic); PubMed 12955714 (cited by Clinical Genomics, Uppaluri K&H Personalized Medicine Clinic); PubMed 18060660 (cited by Clinical Genomics, Uppaluri K&H Personalized Medicine Clinic); PubMed 20301750 (cited by Clinical Genomics, Uppaluri K&H Personalized Medicine Clinic); PubMed 17603484 (cited by Clinical Genomics, Uppaluri K&H Personalized Medicine Clinic).